The following is an entry in ClinVar:

NM_001029.5(RPS26):c.312+3G>A

Gene: RPS26 (ribosomal protein S26; plus strand). Cytogenetic location: 12q13.2.
Variant type: single nucleotide variant.
Coding change: c.312+3G>A on transcript NM_001029.5 (MANE Select); 3 bases into the intron after coding-DNA position 312, G replaced by A.
Molecular consequence: intron variant.
Genome position (GRCh38, 1-based): chr12:56,043,496, G>A. VCF-style: chr12-56043496-G-A. GRCh37 (hg19) VCF-style: chr12-56437280-G-A.
Identifiers: ClinVar variation 1924553 (VCV001924553.7), dbSNP rs1895919755, ClinGen allele CA947954943.

ClinVar aggregate classification (germline): Uncertain significance. Review status: criteria provided, multiple submitters, no conflicts (2 of 4 stars). 3 submissions from 3 submitters: Uncertain significance (3). Last evaluated 2025-12-03.

Conditions:
Diamond-Blackfan anemia 10 (DBA10). Also called: RPS26-Related Diamond-Blackfan Anemia. Identifiers: Orphanet 124, MedGen C2750080, MONDO:0013217, OMIM 613309.

Allele frequency attached by ClinVar (database versions not stated): gnomAD 0.00001.

Submissions (3):

Labcorp Genetics (formerly Invitae), Labcorp
Classification: Uncertain significance for Diamond-Blackfan anemia 10. Last evaluated: 2025-12-03. Review status: criteria provided, single submitter. Criteria: Invitae Variant Classification Sherloc (09022015). Collection method: clinical testing. Allele origin: germline.
Comment: This sequence change falls in intron 3 of the RPS26 gene. It does not directly change the encoded amino acid sequence of the RPS26 protein. It affects a nucleotide within the consensus splice site. This variant is not present in population databases (gnomAD no frequency). This variant has not been reported in the literature in individuals affected with RPS26-related conditions. ClinVar contains an entry for this variant (Variation ID: 1924553). Variants that disrupt the consensus splice site are a relatively common cause of aberrant splicing (PMID: 17576681, 9536098). Algorithms developed to predict the effect of sequence changes on RNA splicing suggest that this variant is not likely to affect RNA splicing. In summary, the available evidence is currently insufficient to determine the role of this variant in disease. Therefore, it has been classified as a Variant of Uncertain Significance.

Laboratorio de Genetica e Diagnostico Molecular, Hospital Israelita Albert Einstein
Classification: Uncertain significance for Diamond-Blackfan anemia 10. Last evaluated: 2024-12-11. Review status: criteria provided, single submitter. Criteria: ACMG Guidelines, 2015. Collection method: clinical testing. Allele origin: germline. Affected: yes.
Comment: ACMG classification criteria: PM2 supporting, BP4 supporting

Fulgent Genetics
Classification: Uncertain significance for Diamond-Blackfan anemia 10. Last evaluated: 2024-01-11. Review status: criteria provided, single submitter. Criteria: ACMG Guidelines, 2015. Collection method: clinical testing. Allele origin: germline.

Literature cited by the submitters: PubMed 17576681 (cited by Labcorp Genetics (formerly Invitae), Labcorp); PubMed 9536098 (cited by Labcorp Genetics (formerly Invitae), Labcorp).